The following is an entry in ClinVar:

NM_004850.5(ROCK2):c.3606A>C (p.Ile1202=)

Gene: ROCK2 (Rho associated coiled-coil containing protein kinase 2; minus strand). Cytogenetic location: 2p25.1.
Variant type: single nucleotide variant.
Coding change: c.3606A>C on transcript NM_004850.5 (MANE Select); coding-DNA position 3606, A replaced by C.
Protein change: p.Ile1202=; no amino-acid change (isoleucine 1202 retained).
Molecular consequence: synonymous variant.
Genome position (GRCh38, 1-based): chr2:11,194,258, T>G on the plus strand (A>C on the coding strand, the complement: ROCK2 is on the minus strand). VCF-style: chr2-11194258-T-G. GRCh37 (hg19) VCF-style: chr2-11334384-T-G.
Other names: c.3348A>C, p.Ile1116= (NM_001321643.2).
Identifiers: ClinVar variation 3039060 (VCV003039060.2), dbSNP rs55839233, ClinGen allele CA1529834.
Genomic context (GRCh38, chr2:11,194,258, plus strand): 5'-GTTAGTCTCTTATACTTTAAAAGATATAGTTTCTAAATATTCTAACAAAAACACTTACTC[T>G]ATATCTAAAACCATGTAAGGATTGGATTGTTCTTTATCTTGTTCACTGTCATAGAAAAGA-3'
Protein context (NP_004841.2, residues 1192-1212): EQSNPYMVLD[Ile1202=]DKLFHVRPVT

ClinVar aggregate classification (germline): Benign (0 of 4 stars; one submission).

Conditions:
ROCK2-related disorder. Also called: ROCK2-related condition.

Allele frequency attached by ClinVar (database versions not stated): ESP Exome Variant Server 0.00009; TOPMed 0.00071; 1000 Genomes Project 30x 0.00453; 1000 Genomes Project 0.00539.
gnomAD v4.1: 492 of 1,325,790 alleles (0.037%); highest among the groups gnomAD compares: East Asian, 0.87%; 9 homozygotes.

Submission:

PreventionGenetics, part of Exact Sciences
Classification: Benign for ROCK2-related condition. Last evaluated: 2019-03-07. Review status: no assertion criteria provided. Collection method: clinical testing. Allele origin: germline.
Comment: This variant is classified as benign based on ACMG/AMP sequence variant interpretation guidelines (Richards et al. 2015 PMID: 25741868, with internal and published modifications).